The following is an entry in ClinVar:

ClinVar aggregate classification (germline): Uncertain significance (1 of 4 stars; one submission).

Conditions:
Methylmalonic aciduria, cblB type (MACB). Also called: Methylmalonic acidemia cblB type; METHYLMALONIC ACIDURIA, VITAMIN B12-RESPONSIVE, DUE TO DEFECT IN SYNTHESIS OF ADENOSYLCOBALAMIN, cblB TYPE; Vitamin B12-responsive methylmalonic acidemia type cblB. Identifiers: Orphanet 28, Orphanet 79311, MedGen C1855102, MONDO:0009614, OMIM 251110.

Submission:

Labcorp Genetics (formerly Invitae), Labcorp
Classification: Uncertain significance for Methylmalonic aciduria, cblB type. Last evaluated: 2020-11-04. Review status: criteria provided, single submitter. Criteria: Invitae Variant Classification Sherloc (09022015). Collection method: clinical testing. Allele origin: germline.
Comment: Advanced modeling of protein sequence and biophysical properties (such as structural, functional, and spatial information, amino acid conservation, physicochemical variation, residue mobility, and thermodynamic stability) performed at Invitae indicates that this missense variant is not expected to disrupt MMAB protein function. In summary, the available evidence is currently insufficient to determine the role of this variant in disease. Therefore, it has been classified as a Variant of Uncertain Significance. This variant has not been reported in the literature in individuals with MMAB-related conditions. This variant is not present in population databases (ExAC no frequency). This sequence change replaces arginine with lysine at codon 54 of the MMAB protein (p.Arg54Lys). The arginine residue is weakly conserved and there is a small physicochemical difference between arginine and lysine.

NM_052845.4(MMAB):c.161G>A (p.Arg54Lys)

Gene: MMAB (metabolism of cobalamin associated B; minus strand). Cytogenetic location: 12q24.11.
Variant type: single nucleotide variant.
Coding change: c.161G>A on transcript NM_052845.4 (MANE Select); coding-DNA position 161, G replaced by A.
Protein change: p.Arg54Lys; replaces arginine 54 with lysine.
Molecular consequence: missense variant. On other transcripts: non-coding transcript variant (1).
Genome position (GRCh38, 1-based): chr12:109,571,684, C>T on the plus strand (G>A on the coding strand, the complement: MMAB is on the minus strand). VCF-style: chr12-109571684-C-T. GRCh37 (hg19) VCF-style: chr12-110009489-C-T.
Other names: short protein forms R54K.
Identifiers: ClinVar variation 1051742 (VCV001051742.9), dbSNP rs2136210801, ClinGen allele CA386640376.